The following is an entry in ClinVar:

ClinVar aggregate classification (germline): Uncertain significance (1 of 4 stars; one submission).

gnomAD v4.1: 1 of 1,613,316 alleles (0.000062%); highest among the groups gnomAD compares: South Asian, 0.0011%; no homozygotes.

Submission:

Athena Diagnostics
Classification: Uncertain significance. Last evaluated: 2021-07-21. Review status: criteria provided, single submitter. Criteria: Athena Diagnostics Criteria. Collection method: clinical testing. Allele origin: unknown.
Comment: This observation is not an independent occurrence and has been identified in the same individual by RCIGM, the other laboratory participating in the GEMINI study.

NM_000466.3(PEX1):c.1141G>C (p.Ala381Pro)

Gene: PEX1 (peroxisomal biogenesis factor 1; minus strand). Cytogenetic location: 7q21.2.
Variant type: single nucleotide variant.
Coding change: c.1141G>C on transcript NM_000466.3 (MANE Select); coding-DNA position 1141, G replaced by C.
Protein change: p.Ala381Pro; replaces alanine 381 with proline.
Molecular consequence: missense variant.
Genome position (GRCh38, 1-based): chr7:92,517,374, C>G on the plus strand (G>C on the coding strand, the complement: PEX1 is on the minus strand). VCF-style: chr7-92517374-C-G. GRCh37 (hg19) VCF-style: chr7-92146688-C-G.
Other names: c.1141G>C, p.Ala381Pro (NM_001282677.2); c.517G>C, p.Ala173Pro (NM_001282678.2); short protein forms A173P, A381P.
Identifiers: ClinVar variation 1809723 (VCV001809723.1), dbSNP rs540780825, ClinGen allele CA368197795.